The following is an entry in ClinVar:

NM_006121.4(KRT1):c.1642G>A (p.Gly548Ser)

Gene: KRT1 (keratin 1; minus strand). Cytogenetic location: 12q13.13.
Variant type: single nucleotide variant.
Coding change: c.1642G>A on transcript NM_006121.4 (MANE Select); coding-DNA position 1642, G replaced by A.
Protein change: p.Gly548Ser; replaces glycine 548 with serine.
Molecular consequence: missense variant.
Genome position (GRCh38, 1-based): chr12:52,675,486, C>T on the plus strand (G>A on the coding strand, the complement: KRT1 is on the minus strand). VCF-style: chr12-52675486-C-T. GRCh37 (hg19) VCF-style: chr12-53069270-C-T.
Other names: c.1642G>A (NM_006121.3); short protein forms G548S.
Identifiers: ClinVar variation 1049926 (VCV001049926.2), dbSNP rs775570636, ClinGen allele CA6586085.

ClinVar aggregate classification (germline): Uncertain significance. Review status: criteria provided, single submitter (1 of 4 stars). 2 submissions from 2 submitters: Uncertain significance (1). 1 of the submissions does not count toward it. Last evaluated 2023-09-20.

Conditions:
Inborn genetic diseases. Identifiers: MedGen C0950123, MeSH D030342.

Allele frequency attached by ClinVar (database versions not stated): gnomAD 0.00002; TOPMed 0.00002; gnomAD exomes 0.00003 and 0.00006; ExAC 0.00004.
gnomAD v4.1: 75 of 1,327,564 alleles (0.0056%); highest among the groups gnomAD compares: Non-Finnish European, 0.0076%; no homozygotes.

Submissions (2):

Ambry Genetics
Classification: Uncertain significance for Inborn genetic diseases. Last evaluated: 2023-09-20. Review status: criteria provided, single submitter. Criteria: Ambry Variant Classification Scheme 2023. Collection method: clinical testing. Allele origin: germline.

Department of Pathology and Laboratory Medicine, Sinai Health System
Classification: Uncertain significance. Review status: no assertion criteria provided. Collection method: clinical testing. Allele origin: unknown. Affected: yes. Study: The Canadian Open Genetics Repository (COGR). Not counted in ClinVar's aggregate classification.
Comment: The KRT1 p.Gly548Ser variant was not identified in the literature nor was it identified in ClinVar or LOVD 3.0. The variant was identified in dbSNP (ID: rs775570636) and in control databases in 6 of 214936 chromosomes at a frequency of 0.00002792 (Genome Aggregation Database March 6, 2019, v2.1.1). The variant was observed in the European (non-Finnish) population in 6 of 94104 chromosomes (freq: 0.000064), but was not observed in the African, Latino, Ashkenazi Jewish, East Asian, European (Finnish), Other, or South Asian populations. The p.Gly548 residue is not conserved in mammals and computational analyses (PolyPhen-2, SIFT, AlignGVGD, BLOSUM, MutationTaster) do not suggest a high likelihood of impact to the protein; however, this information is not predictive enough to rule out pathogenicity. The variant occurs outside of the splicing consensus sequence and in silico or computational prediction software programs (SpliceSiteFinder, MaxEntScan, NNSPLICE, GeneSplicer) do not predict a difference in splicing. In summary, based on the above information the clinical significance of this variant cannot be determined with certainty at this time. This variant is classified as a variant of uncertain significance.